The following is an entry in ClinVar:

NM_001367624.2(ZNF469):c.2035G>A (p.Glu679Lys)

Gene: ZNF469 (zinc finger protein 469; plus strand). Cytogenetic location: 16q24.2.
Variant type: single nucleotide variant.
Coding change: c.2035G>A on transcript NM_001367624.2 (MANE Select); coding-DNA position 2035, G replaced by A.
Protein change: p.Glu679Lys; replaces glutamic acid 679 with lysine.
Molecular consequence: missense variant.
Genome position (GRCh38, 1-based): chr16:88,429,505, G>A. VCF-style: chr16-88429505-G-A. GRCh37 (hg19) VCF-style: chr16-88495913-G-A.
Other names: NM_001127464.1:c.2035G>A; NM_001127464.2:c.2035G>A; p.Glu679Lys; short protein forms E679K.
Identifiers: ClinVar variation 320880 (VCV000320880.24), dbSNP rs551591362, ClinGen allele CA8224739.

ClinVar aggregate classification (germline): Benign/Likely benign. Review status: criteria provided, multiple submitters, no conflicts (2 of 4 stars). 8 submissions from 8 submitters: Benign (6); Likely benign (2). Last evaluated 2026-02-01.

Conditions:
Brittle cornea syndrome 1 (BCS1). Also called: CORNEAL FRAGILITY, KERATOGLOBUS, BLUE SCLERAE, JOINT HYPEREXTENSIBILITY; EDS6B; DYSGENESIS MESODERMALIS CORNEAE ET SCLERAE; FRAGILITAS OCULI WITH JOINT HYPEREXTENSIBILITY; Corneal fragility keratoglobus, blue sclerae AND joint hypermobility. Identifiers: Orphanet 90354, MedGen C0268344, MONDO:0024543, OMIM 229200.
Cardiovascular phenotype. Identifiers: MedGen CN230736.
Ehlers-Danlos syndrome (EDS). Identifiers: Orphanet 98249, MedGen C0013720, MONDO:0020066.

Allele frequency attached by ClinVar (database versions not stated): gnomAD 0.00080 and 0.00196; TOPMed 0.00102; 1000 Genomes Project 30x 0.00734; gnomAD exomes 0.00756; 1000 Genomes Project 0.00819; ExAC 0.02111.
gnomAD v4.1: 4,362 of 1,456,634 alleles (0.3%); highest among the groups gnomAD compares: South Asian, 3.6%; 76 homozygotes.

Submissions (8):

Labcorp Genetics (formerly Invitae), Labcorp
Classification: Benign. Last evaluated: 2026-02-01. Review status: criteria provided, single submitter. Criteria: Invitae Variant Classification Sherloc (09022015). Collection method: clinical testing. Allele origin: germline.

CeGaT Center for Human Genetics Tuebingen
Classification: Benign. Last evaluated: 2025-12-01. Review status: criteria provided, single submitter. Criteria: CeGaT Center For Human Genetics Tuebingen Variant Classification Criteria Version 2. Collection method: clinical testing. Allele origin: germline. Affected: yes. Observed: 1 variant allele.
Comment: ZNF469: BS1, BS2

Mayo Clinic Laboratories, Mayo Clinic
Classification: Benign. Last evaluated: 2024-07-10. Review status: criteria provided, single submitter. Criteria: ACMG Guidelines, 2015. Collection method: clinical testing. Allele origin: germline. Observed: 5 variant alleles.
Comment: BS1, BS2, BP4

Genome Diagnostics Laboratory, The Hospital for Sick Children
Classification: Likely benign for Ehlers-Danlos syndrome. Last evaluated: 2022-07-08. Review status: criteria provided, single submitter. Criteria: ACMG Guidelines, 2015. Collection method: clinical testing. Allele origin: germline.

Women's Health and Genetics/Laboratory Corporation of America, LabCorp
Classification: Likely benign. Last evaluated: 2021-12-10. Review status: criteria provided, single submitter. Criteria: LabCorp Variant Classification Summary - May 2015. Collection method: clinical testing. Allele origin: germline.

Genome-Nilou Lab
Classification: Benign for Brittle cornea syndrome 1. Last evaluated: 2021-12-05. Review status: criteria provided, single submitter. Criteria: ACMG Guidelines, 2015. Collection method: clinical testing. Allele origin: germline. Affected: no.

Ambry Genetics
Classification: Benign for Cardiovascular phenotype. Last evaluated: 2019-06-10. Review status: criteria provided, single submitter. Criteria: Ambry Variant Classification Scheme 2023. Collection method: clinical testing. Allele origin: germline.

GeneDx
Classification: Benign. Last evaluated: 2017-03-06. Review status: criteria provided, single submitter. Criteria: GeneDx Variant Classification (06012015). Collection method: clinical testing. Allele origin: germline. Affected: yes.
Comment: This variant is considered likely benign or benign based on one or more of the following criteria: it is a conservative change, it occurs at a poorly conserved position in the protein, it is predicted to be benign by multiple in silico algorithms, and/or has population frequency not consistent with disease.

Literature cited by the submitters: PubMed 29228253 (cited by Ambry Genetics).